The following is an entry in ClinVar:

NM_144997.7(FLCN):c.712G>C (p.Ala238Pro)

Gene: FLCN (folliculin; minus strand). Cytogenetic location: 17p11.2.
Variant type: single nucleotide variant.
Coding change: c.712G>C on transcript NM_144997.7 (MANE Select); coding-DNA position 712, G replaced by C.
Protein change: p.Ala238Pro; replaces alanine 238 with proline.
Molecular consequence: missense variant.
Genome position (GRCh38, 1-based): chr17:17,222,568, C>G on the plus strand (G>C on the coding strand, the complement: FLCN is on the minus strand). VCF-style: chr17-17222568-C-G. GRCh37 (hg19) VCF-style: chr17-17125882-C-G.
Other names: c.766G>C, p.Ala256Pro (NM_001353229.2); c.712G>C, p.Ala238Pro (NM_001353230.2, NM_001353231.2, NM_144606.7); c.712G>C (NM_144997.5); short protein forms A256P, A238P.
Identifiers: ClinVar variation 1437084 (VCV001437084.7), dbSNP rs964077477, ClinGen allele CA398533948.
Genomic context (GRCh38, chr17:17,222,568, plus strand): 5'-AGGAGGTGTGCAGGCACGCCCACAGGTTGTCATCACTTGTCAGCGATGTCAGCGAGCGGG[C>G]GGCGTTGCCGTTCCTCTGGTGTAGGAATGGCGTGAAGGCTGTGTTCATCCTCTGAGCACG-3'
Protein context (NP_659434.2, residues 228-248): PFLHQRNGNA[Ala238Pro]RSLTSLTSDD

ClinVar aggregate classification (germline): Uncertain significance. Review status: criteria provided, multiple submitters, no conflicts (2 of 4 stars). 2 submissions from 2 submitters: Uncertain significance (2). Last evaluated 2024-11-09.

Conditions:
Hereditary cancer-predisposing syndrome. Also called: Neoplastic Syndromes, Hereditary; Hereditary Cancer Syndrome; Tumor predisposition; Hereditary neoplastic syndrome. Identifiers: Orphanet 140162, MedGen C0027672, MeSH D009386, MONDO:0015356.
Birt-Hogg-Dube syndrome. Also called: Birt Hogg Dubé syndrome. Identifiers: Orphanet 122, MedGen C0346010, MONDO:0800444.

Submissions (2):

Ambry Genetics
Classification: Uncertain significance for Hereditary cancer-predisposing syndrome. Last evaluated: 2024-11-09. Review status: criteria provided, single submitter. Criteria: Ambry Variant Classification Scheme 2023. Collection method: clinical testing. Allele origin: germline.
Comment: The p.A238P variant (also known as c.712G>C), located in coding exon 4 of the FLCN gene, results from a G to C substitution at nucleotide position 712. The alanine at codon 238 is replaced by proline, an amino acid with highly similar properties. This amino acid position is highly conserved in available vertebrate species. In addition, this alteration is predicted to be deleterious by in silico analysis. Based on the available evidence, the clinical significance of this variant remains unclear.

Labcorp Genetics (formerly Invitae), Labcorp
Classification: Uncertain significance for Birt-Hogg-Dube syndrome. Last evaluated: 2024-06-21. Review status: criteria provided, single submitter. Criteria: Invitae Variant Classification Sherloc (09022015). Collection method: clinical testing. Allele origin: germline.
Comment: This sequence change replaces alanine, which is neutral and non-polar, with proline, which is neutral and non-polar, at codon 238 of the FLCN protein (p.Ala238Pro). This variant is not present in population databases (gnomAD no frequency). This variant has not been reported in the literature in individuals affected with FLCN-related conditions. ClinVar contains an entry for this variant (Variation ID: 1437084). Advanced modeling of protein sequence and biophysical properties (such as structural, functional, and spatial information, amino acid conservation, physicochemical variation, residue mobility, and thermodynamic stability) performed at Invitae indicates that this missense variant is not expected to disrupt FLCN protein function with a negative predictive value of 80%. In summary, the available evidence is currently insufficient to determine the role of this variant in disease. Therefore, it has been classified as a Variant of Uncertain Significance.